The following is an entry in ClinVar:

NM_000518.5(HBB):c.10C>G (p.Leu4Val)

Genes: HBB (hemoglobin subunit beta; minus strand), LOC106099062 (HBB recombination region; plus strand), LOC107133510 (origin of replication at HBB; plus strand). Cytogenetic location: 11p15.4.
Variant type: single nucleotide variant.
Coding change: c.10C>G on transcript NM_000518.5 (MANE Select); coding-DNA position 10, C replaced by G.
Protein change: p.Leu4Val; replaces leucine 4 with valine.
Molecular consequence: missense variant.
Genome position (GRCh38, 1-based): chr11:5,227,012, G>C on the plus strand (C>G on the coding strand, the complement: HBB is on the minus strand). VCF-style: chr11-5227012-G-C. GRCh37 (hg19) VCF-style: chr11-5248242-G-C.
Other names: short protein forms L4V.
Identifiers: ClinVar variation 1330034 (VCV001330034.10), dbSNP rs34126315, ClinGen allele CA217115584.

ClinVar aggregate classification (germline): Conflicting classifications of pathogenicity. Review status: criteria provided, conflicting classifications (1 of 4 stars). 2 submissions from 2 submitters: Uncertain significance (1); Likely benign (1). Last evaluated 2024-11-08.

Submissions (2):

Quest Diagnostics Nichols Institute San Juan Capistrano
Classification: Uncertain significance. Last evaluated: 2024-11-08. Review status: criteria provided, single submitter. Criteria: Quest Diagnostics criteria. Collection method: clinical testing. Allele origin: unknown.
Comment: The HBB c.10C>G (p.Leu4Val) variant has been reported as having normal stability with slightly reduced oxygen affinity (PMID: 12879953 (2003)). This variant in the heterozygous state has been reported in individuals with low hemoglobin A1c but otherwise normal clinical presentations (HbVar and PMID: 12879953 (2003)). This variant has not been reported in large, multi-ethnic general populations (Genome Aggregation Database). ClinVar contains an entry for this variant (URL:, Variation ID: 1330034). Analysis of this variant using bioinformatics tools for the prediction of the effect of amino acid changes on protein structure and function yielded conflicting predictions that this variant is deleterious or benign. Based on the available information, we are unable to determine the clinical significance of this variant.

ARUP Laboratories, Molecular Genetics and Genomics, ARUP Laboratories
Classification: Likely benign. Last evaluated: 2021-11-03. Review status: criteria provided, single submitter. Criteria: ARUP Molecular Germline Variant Investigation Process 2021. Collection method: clinical testing. Allele origin: germline.

Literature cited by the submitters: PubMed 12879953 (cited by Quest Diagnostics Nichols Institute San Juan Capistrano).